The following is an entry in ClinVar:

NM_000274.4(OAT):c.719_720insGTATAAGAGACAG (p.Pro241fs)

Genes: OAT (ornithine aminotransferase; minus strand), LOC121815974 (Sharpr-MPRA regulatory region 15365; plus strand). Cytogenetic location: 10q26.13.
Variant type: Insertion.
Coding change: c.719_720insGTATAAGAGACAG on transcript NM_000274.4 (MANE Select); coding-DNA positions 719 to 720, GTATAAGAGACAG inserted.
Protein change: p.Pro241fs; shifts the reading frame from proline 241.
Molecular consequence: frameshift variant.
Genome position: GRCh38 VCF-style: chr10-124403849-A-ACTGTCTCTTATAC. GRCh37 (hg19) VCF-style: chr10-126092418-A-ACTGTCTCTTATAC.
Other names: c.305_306insGTATAAGAGACAG, p.Pro103fs (NM_001171814.2); c.719_720insGTATAAGAGACAG, p.Pro241fs (NM_001322965.2, NM_001322966.2, NM_001322967.2 and 3 more transcripts); c.398_399insGTATAAGAGACAG, p.Pro134fs (NM_001322971.2); c.119_120insGTATAAGAGACAG, p.Pro41fs (NM_001322974.2); short protein forms P103fs, P134fs, P241fs, P41fs.
Identifiers: ClinVar variation 5011050 (VCV005011050.1).

ClinVar aggregate classification (germline): Pathogenic (1 of 4 stars; one submission).

Conditions:
Ornithine aminotransferase deficiency (GACR). Also called: HYPERORNITHINEMIA WITH GYRATE ATROPHY OF CHOROID AND RETINA; OAT DEFICIENCY; OKT DEFICIENCY; Ornithine ketoacid aminotransferase deficiency; Gyrate atrophy; Gyrate atrophy of choroid and retina. Identifiers: Orphanet 414, MedGen C0018425, MONDO:0009796, OMIM 258870.

Submission:

Myriad Genetics, Inc.
Classification: Pathogenic for Ornithine aminotransferase deficiency. Last evaluated: 2024-05-14. Review status: criteria provided, single submitter. Criteria: Myriad Autosomal Dominant, Autosomal Recessive and X-Linked Classification Criteria (2023). Collection method: clinical testing. Allele origin: unknown.
Comment: NM_000274.3(OAT):c.719_720ins13(P241Yfs*27) is expected to be pathogenic in the context of ornithine aminotransferase deficiency. This variant is predicted to lead to an abnormal or absent protein product due to the creation of a premature termination codon in OAT, a gene where loss-of-function variants are known to be pathogenic. Please note: this variant was assessed in the context of healthy population screening.